The following is an entry in ClinVar:

ClinVar aggregate classification (germline): Likely benign. Review status: criteria provided, multiple submitters, no conflicts (2 of 4 stars). 3 submissions from 3 submitters: Likely benign (3). Last evaluated 2023-08-17.

Conditions:
Microcephaly 5, primary, autosomal recessive (MCPH5). Also called: ASPM Primary Microcephaly. Identifiers: Orphanet 2512, MedGen C1837501, MONDO:0012106, OMIM 608716.

Allele frequency attached by ClinVar (database versions not stated): ExAC 0.00003; gnomAD 0.00003 and 0.00002; gnomAD exomes 0.00003 and 0.00006; 1000 Genomes Project 30x 0.00016; 1000 Genomes Project 0.00020; TOPMed 0.00002.
gnomAD v4.1: 86 of 1,611,080 alleles (0.0053%); highest among the groups gnomAD compares: Admixed American, 0.013%; no homozygotes.

Submissions (3):

Labcorp Genetics (formerly Invitae), Labcorp
Classification: Likely benign. Last evaluated: 2023-08-17. Review status: criteria provided, single submitter. Criteria: Invitae Variant Classification Sherloc (09022015). Collection method: clinical testing. Allele origin: germline.

Genome-Nilou Lab
Classification: Likely benign for Microcephaly 5, primary, autosomal recessive. Last evaluated: 2023-04-11. Review status: criteria provided, single submitter. Criteria: ACMG Guidelines, 2015. Collection method: clinical testing. Allele origin: germline. Affected: no.

GeneDx
Classification: Likely benign. Last evaluated: 2017-02-17. Review status: criteria provided, single submitter. Criteria: GeneDx Variant Classification (06012015). Collection method: clinical testing. Allele origin: germline. Affected: yes.
Comment: This variant is considered likely benign or benign based on one or more of the following criteria: it is a conservative change, it occurs at a poorly conserved position in the protein, it is predicted to be benign by multiple in silico algorithms, and/or has population frequency not consistent with disease.

NM_018136.5(ASPM):c.10041G>A (p.Leu3347=)

Gene: ASPM (assembly factor for spindle microtubules; minus strand). Cytogenetic location: 1q31.3.
Variant type: single nucleotide variant.
Coding change: c.10041G>A on transcript NM_018136.5 (MANE Select); coding-DNA position 10041, G replaced by A.
Protein change: p.Leu3347=; no amino-acid change (leucine 3347 retained).
Molecular consequence: synonymous variant.
Genome position (GRCh38, 1-based): chr1:197,088,376, C>T on the plus strand (G>A on the coding strand, the complement: ASPM is on the minus strand). VCF-style: chr1-197088376-C-T. GRCh37 (hg19) VCF-style: chr1-197057506-C-T.
Other names: c.5286G>A, p.Leu1762= (NM_001206846.2).
Identifiers: ClinVar variation 507500 (VCV000507500.10), dbSNP rs191340810, ClinGen allele CA1308804.